The following is an entry in ClinVar:

ClinVar aggregate classification (germline): Likely pathogenic (1 of 4 stars; one submission).

Conditions:
Congenital hyperammonemia, type I. Also called: Carbamoyl phosphate synthetase I deficiency disease; CPS I DEFICIENCY; Carbamoyl-phosphate synthase I deficiency; Carbamoyl phosphate synthetase 1 deficiency; Hyperammonemia due to carbamoyl phosphate synthetase 1 deficiency; CPS 1 deficiency. Identifiers: Orphanet 147, MedGen C4082171, MONDO:0009376, OMIM 237300.

Submission:

Women's Health and Genetics/Laboratory Corporation of America, LabCorp
Classification: Likely pathogenic for Congenital hyperammonemia, type I. Last evaluated: 2022-07-15. Review status: criteria provided, single submitter. Criteria: LabCorp Variant Classification Summary - May 2015. Collection method: clinical testing. Allele origin: germline.
Comment: Variant summary: The variant identified by MLPA or other technology involves the deletion of exon 26 and part of exon 27 in the CPS1 gene. A presumed nomenclature of c.(3141+1_3142-1)_3363del has been designated for the purposes of this classification. Although exact breakpoints of this deletion are not known, it is expected to result in a large in-frame deletion change in the CPS1 gene, a known mechanism of disease. The variant was absent in 21694 control chromosomes. To our knowledge, no occurrence of c.(3141+1_3142-1)_3363del in individuals affected with Carbamoylphosphate Synthetase I Deficiency and no experimental evidence demonstrating its impact on protein function have been reported. One clinical diagnostic laboratory has submitted clinical-significance assessments for a similar deletion variant to ClinVar after 2014 without evidence for independent evaluation and classified the variant as pathogenic. Based on the evidence outlined above, the variant was classified as likely pathogenic.

NC_000002.11:g.(211507390_211512586)_211513223del

Gene: CPS1 (carbamoyl-phosphate synthase 1; plus strand). Cytogenetic location: 2q34.
Variant type: Deletion.
Identifiers: ClinVar variation 1704525 (VCV001704525.1).